The following is an entry in ClinVar:

NM_000422.3(KRT17):c.280C>T (p.Arg94Cys)

Gene: KRT17 (keratin 17; minus strand). Cytogenetic location: 17q21.2.
Variant type: single nucleotide variant.
Coding change: c.280C>T on transcript NM_000422.3 (MANE Select); coding-DNA position 280, C replaced by T.
Protein change: p.Arg94Cys; replaces arginine 94 with cysteine.
Molecular consequence: missense variant.
Genome position (GRCh38, 1-based): chr17:41,624,230, G>A on the plus strand (C>T on the coding strand, the complement: KRT17 is on the minus strand). VCF-style: chr17-41624230-G-A. GRCh37 (hg19) VCF-style: chr17-39780482-G-A.
Other names: short protein forms R94C.
Identifiers: ClinVar variation 14591 (VCV000014591.46), dbSNP rs58730926, ClinGen allele CA124156.

ClinVar aggregate classification (germline): Pathogenic. Review status: criteria provided, multiple submitters, no conflicts (2 of 4 stars). 10 submissions from 9 submitters: Pathogenic (6). 4 of the submissions do not count toward it. Last evaluated 2026-01-04.

Conditions:
KRT17-related disorders.
Inborn genetic diseases. Identifiers: MedGen C0950123, MeSH D030342.
Steatocystoma multiplex. Also called: Sebocystomatosis; Disseminated sebocystomatosis. Identifiers: Orphanet 841, MedGen C0259771, MONDO:0008485, OMIM 184500, HP:0012035.
Pachyonychia congenita 2 (PC2). Also called: PACHYONYCHIA CONGENITA, JACKSON-LAWLER TYPE; Jackson-Lawler syndrome; PC-K17; KRT17-Related Pachyonychia Congenita. Identifiers: Orphanet 2309, MedGen C1721007, MONDO:0008174, OMIM 167210.

Allele frequency attached by ClinVar (database versions not stated): gnomAD exomes below 0.00001; gnomAD 0.00001; TOPMed 0.00001.
gnomAD v4.1: 3 of 1,612,620 alleles (0.00019%); highest among the groups gnomAD compares: East Asian, 0.0045%; no homozygotes.

Submissions (10):

Labcorp Genetics (formerly Invitae), Labcorp
Classification: Pathogenic. Last evaluated: 2026-01-04. Review status: criteria provided, single submitter. Criteria: Invitae Variant Classification Sherloc (09022015). Collection method: clinical testing. Allele origin: germline.
Comment: This sequence change replaces arginine, which is basic and polar, with cysteine, which is neutral and slightly polar, at codon 94 of the KRT17 protein (p.Arg94Cys). This variant is present in population databases (rs58730926, gnomAD 0.01%). This missense change has been observed in individuals with pachyonychia congenita and/or steatocystoma multiplex (PMID: 9767294, 25946540, 26165312, 29218738, 31823354). It has also been observed to segregate with disease in related individuals. ClinVar contains an entry for this variant (Variation ID: 14591). Invitae Evidence Modeling of protein sequence and biophysical properties (such as structural, functional, and spatial information, amino acid conservation, physicochemical variation, residue mobility, and thermodynamic stability) has been performed for this missense variant. However, the output from this modeling did not meet the statistical confidence thresholds required to predict the impact of this variant on KRT17 protein function. For these reasons, this variant has been classified as Pathogenic.

Ambry Genetics
Classification: Pathogenic for Inborn genetic diseases. Last evaluated: 2025-09-15. Review status: criteria provided, single submitter. Criteria: Ambry Variant Classification Scheme 2023. Collection method: clinical testing. Allele origin: germline.
Comment: The c.280C>T (p.R94C) alteration is located in exon 1 (coding exon 1) of the KRT17 gene. This alteration results from a C to T substitution at nucleotide position 280, causing the arginine (R) at amino acid position 94 to be replaced by a cysteine (C). Based on data from gnomAD, the T allele has an overall frequency of 0.003% (1/31354) total alleles studied. The highest observed frequency was 0.012% (1/8696) of African alleles. This variant was identified in one or more individuals with features consistent with pachyonychia congenita and segregated with disease in at least one family (Covello, 1998; Wilson, 2014; Liu, 2015; Wang, 2018). This amino acid position is well conserved in available vertebrate species. This alteration is predicted to be deleterious by in silico analysis. Based on the available evidence, this alteration is classified as pathogenic.

Blueprint Genetics
Classification: Pathogenic for KRT17-related disorders. Last evaluated: 2024-11-13. Review status: criteria provided, single submitter. Criteria: ACMG Guidelines, 2015. Collection method: clinical testing. Allele origin: germline. Affected: yes. Observed: 5 variant alleles.

GeneDx
Classification: Pathogenic. Last evaluated: 2022-07-10. Review status: criteria provided, single submitter. Criteria: GeneDx Variant Classification Process June 2021. Collection method: clinical testing. Allele origin: germline. Affected: yes.
Comment: Located within the helix initiation in 1A domain that is intolerant of change; Not observed at significant frequency in large population cohorts (gnomAD); In silico analysis supports that this missense variant has a deleterious effect on protein structure/function; This variant is associated with the following publications: (PMID: 22336949, 31823354, 9767294, 29218738, 26165312, 25946540)

Molecular Genetics, Royal Melbourne Hospital
Classification: Pathogenic for Steatocystoma multiplex. Last evaluated: 2022-02-04. Review status: criteria provided, single submitter. Criteria: ACMG Guidelines, 2015. Collection method: clinical testing. Allele origin: germline. Affected: yes.
Comment: This sequence change in KRT17 is predicted to replace arginine with cysteine at codon 94, p.(Arg94Cys). The arginine residue is highly conserved (100 vertebrates, UCSC), and is located in the intermediate filament rod domain, a region (amino acids 92 - 95) that is a mutational hotspot (ClinVar). There is a large physicochemical difference between arginine and cysteine. The highest population minor allele frequency in gnomAD v3.1 is 0.02% (1/5,170 alleles) in the East Asian population, and another singleton is present in the African/African-American population (1/41,428 alleles). This variant has been reported in at least six probands with pachyonychia congenita or steatocystoma multiplex, and segregates with disease in multiple families (PMID: 9767294, 11809119, 22336949, 26165312). Multiple lines of computational evidence predict a deleterious effect for the missense substitution (5/6 algorithms). Based on the classification scheme RMH Modified ACMG Guidelines v1.4.0, this variant is classified as PATHOGENIC. Following criteria are met: PP1_Strong, PS4_Moderate, PM1, PM2_Supporting, PP3.

CeGaT Center for Human Genetics Tuebingen
Classification: Pathogenic. Last evaluated: 2021-12-01. Review status: criteria provided, single submitter. Criteria: CeGaT Center For Human Genetics Tuebingen Variant Classification Criteria Version 2. Collection method: clinical testing. Allele origin: germline. Affected: yes. Observed: 1 variant allele.

OMIM
Classification: Pathogenic for STEATOCYSTOMA MULTIPLEX. Last evaluated: 1998-09-01. Review status: no assertion criteria provided. Collection method: literature only. Allele origin: germline. Not counted in ClinVar's aggregate classification.

OMIM
Classification: Pathogenic for PACHYONYCHIA CONGENITA 2. Last evaluated: 1998-09-01. Review status: no assertion criteria provided. Collection method: literature only. Allele origin: germline. Not counted in ClinVar's aggregate classification.

Epithelial Biology;  Institute of Medical Biology, Singapore
No classification provided. Review status: no classification provided. Collection method: not provided. Allele origin: not provided. Not counted in ClinVar's aggregate classification.

Genomic Medicine Center of Excellence, King Faisal Specialist Hospital and Research Centre
Classification: Uncertain significance for Steatocystoma multiplex. Last evaluated: 2024-03-29. Review status: flagged submission. Criteria: ACMG Guidelines, 2015. Collection method: clinical testing. Allele origin: germline. Not counted in ClinVar's aggregate classification.
ClinVar note: Reason: Outlier claim with insufficient supporting evidence

Literature cited by the submitters: PubMed 9767294 (cited by 4 submitters); PubMed 25946540 (cited by Labcorp Genetics (formerly Invitae), Labcorp); PubMed 26165312 (cited by 3 submitters); PubMed 29218738 (cited by Labcorp Genetics (formerly Invitae), Labcorp and Ambry Genetics); PubMed 31823354 (cited by Labcorp Genetics (formerly Invitae), Labcorp); PubMed 24611874 (cited by Ambry Genetics); PubMed 11809119 (cited by Molecular Genetics, Royal Melbourne Hospital); PubMed 22336949 (cited by Molecular Genetics, Royal Melbourne Hospital).